The following is an entry in ClinVar:

ClinVar aggregate classification (germline): Uncertain significance. Review status: criteria provided, single submitter (1 of 4 stars). 2 submissions from 2 submitters: Uncertain significance (1). 1 of the submissions does not count toward it. Last evaluated 2023-08-07.

Conditions:
Short stature. Identifiers: MedGen C0349588, HP:0004322.

Allele frequency attached by ClinVar (database versions not stated): gnomAD exomes below 0.00001; TOPMed 0.00001.
gnomAD v4.1: 6 of 1,614,220 alleles (0.00037%); highest among the groups gnomAD compares: Non-Finnish European, 0.00051%; no homozygotes.

Submissions (2):

Blueprint Genetics
Classification: Uncertain significance. Last evaluated: 2023-08-07. Review status: criteria provided, single submitter. Criteria: ACMG Guidelines, 2015. Collection method: clinical testing. Allele origin: germline.

Institute of Human Genetics, University of Goettingen
Classification: Uncertain significance for Short stature. Last evaluated: 2022-01-26. Review status: no assertion criteria provided. Collection method: clinical testing. Allele origin: paternal. Inheritance: Autosomal dominant inheritance. Affected: yes. Not counted in ClinVar's aggregate classification.
Comment: Variant not mentioned in gnomAD. Majority of bioinformatic predicition tools predict a pathogenic effect. No information on IGF-1 levels available in the carriers of the variant.

NM_000875.5(IGF1R):c.3872A>G (p.Glu1291Gly)

Gene: IGF1R (insulin like growth factor 1 receptor; plus strand). Cytogenetic location: 15q26.3.
Variant type: single nucleotide variant.
Coding change: c.3872A>G on transcript NM_000875.5 (MANE Select); coding-DNA position 3872, A replaced by G.
Protein change: p.Glu1291Gly; replaces glutamic acid 1291 with glycine.
Molecular consequence: missense variant.
Genome position (GRCh38, 1-based): chr15:98,957,210, A>G. VCF-style: chr15-98957210-A-G. GRCh37 (hg19) VCF-style: chr15-99500439-A-G.
Other names: c.3869A>G, p.Glu1290Gly (NM_001291858.2); short protein forms E1290G, E1291G.
Identifiers: ClinVar variation 1338729 (VCV001338729.2), dbSNP rs1215292877, ClinGen allele CA393668773.
Genomic context (GRCh38, chr15:98,957,210, plus strand): 5'-AGCCTGGCTTCCGGGAGGTCTCCTTCTACTACAGCGAGGAGAACAAGCTGCCCGAGCCGG[A>G]GGAGCTGGACCTGGAGCCAGAGAACATGGAGAGCGTCCCCCTGGACCCCTCGGCCTCCTC-3'
Protein context (NP_000866.1, residues 1281-1301): YSEENKLPEP[Glu1291Gly]ELDLEPENME